The following is an entry in ClinVar:

ClinVar aggregate classification (germline): Uncertain significance (1 of 4 stars; one submission).

Conditions:
Fanconi anemia (FA). Also called: Fanconi's anemia. Identifiers: Orphanet 84, MedGen C0015625, MeSH D005199, MONDO:0019391.

Submission:

Labcorp Genetics (formerly Invitae), Labcorp
Classification: Uncertain significance for Fanconi anemia. Last evaluated: 2024-10-18. Review status: criteria provided, single submitter. Criteria: Invitae Variant Classification Sherloc (09022015). Collection method: clinical testing. Allele origin: germline.
Comment: This sequence change replaces alanine, which is neutral and non-polar, with glycine, which is neutral and non-polar, at codon 1405 of the SLX4 protein (p.Ala1405Gly). This variant is not present in population databases (gnomAD no frequency). This variant has not been reported in the literature in individuals affected with SLX4-related conditions. An algorithm developed to predict the effect of missense changes on protein structure and function outputs the following: PolyPhen-2: "Possibly Damaging". The glycine amino acid residue is found in multiple mammalian species, which suggests that this missense change does not adversely affect protein function. In summary, the available evidence is currently insufficient to determine the role of this variant in disease. Therefore, it has been classified as a Variant of Uncertain Significance.

NM_032444.4(SLX4):c.4214C>G (p.Ala1405Gly)

Gene: SLX4 (SLX4 structure-specific endonuclease subunit; minus strand). Cytogenetic location: 16p13.3.
Variant type: single nucleotide variant.
Coding change: c.4214C>G on transcript NM_032444.4 (MANE Select); coding-DNA position 4214, C replaced by G.
Protein change: p.Ala1405Gly; replaces alanine 1405 with glycine.
Molecular consequence: missense variant.
Genome position (GRCh38, 1-based): chr16:3,589,424, G>C on the plus strand (C>G on the coding strand, the complement: SLX4 is on the minus strand). VCF-style: chr16-3589424-G-C. GRCh37 (hg19) VCF-style: chr16-3639425-G-C.
Other names: short protein forms A1405G.
Identifiers: ClinVar variation 3703005 (VCV003703005.2).